The following is an entry in ClinVar:

NM_005227.3(EFNA4):c.500C>T (p.Pro167Leu)

Genes: ADAM15-EFNA4 (ADAM15-EFNA4 readthrough; plus strand), EFNA4 (ephrin A4; plus strand), EFNA4-EFNA3 (EFNA4-EFNA3 readthrough; plus strand). Cytogenetic location: 1q21.3.
Variant type: single nucleotide variant.
Coding change: c.500C>T on transcript NM_005227.3 (MANE Select); coding-DNA position 500, C replaced by T.
Protein change: p.Pro167Leu; replaces proline 167 with leucine.
Molecular consequence: missense variant. On other transcripts: intron variant (2).
Genome position (GRCh38, 1-based): chr1:155,068,883, C>T. VCF-style: chr1-155068883-C-T. GRCh37 (hg19) VCF-style: chr1-155041359-C-T.
Other names: c.470-116C>T (NM_182690.3); c.470-136C>T (NM_182689.2); short protein forms P167L.
Identifiers: ClinVar variation 1990179 (VCV001990179.4), dbSNP rs1368166854, ClinGen allele CA342651470.

ClinVar aggregate classification (germline): Uncertain significance (1 of 4 stars; one submission).

Allele frequency attached by ClinVar (database versions not stated): gnomAD exomes below 0.00001; gnomAD 0.00001.
gnomAD v4.1: 8 of 1,613,646 alleles (0.0005%); highest among the groups gnomAD compares: Non-Finnish European, 0.00068%; no homozygotes.

Submission:

Labcorp Genetics (formerly Invitae), Labcorp
Classification: Uncertain significance. Last evaluated: 2024-02-24. Review status: criteria provided, single submitter. Criteria: Invitae Variant Classification Sherloc (09022015). Collection method: clinical testing. Allele origin: germline.
Comment: This sequence change replaces proline, which is neutral and non-polar, with leucine, which is neutral and non-polar, at codon 167 of the EFNA4 protein (p.Pro167Leu). This variant is present in population databases (no rsID available, gnomAD 0.0009%). This variant has not been reported in the literature in individuals affected with EFNA4-related conditions. ClinVar contains an entry for this variant (Variation ID: 1990179). An algorithm developed to predict the effect of missense changes on protein structure and function (PolyPhen-2) suggests that this variant is likely to be disruptive. In summary, the available evidence is currently insufficient to determine the role of this variant in disease. Therefore, it has been classified as a Variant of Uncertain Significance.